The following is an entry in ClinVar:

NC_000003.11:g.(?_197677839)_(197678192_?)dup

Genes: DRC9 (dynein regulatory complex subunit 9; minus strand), RPL35A (ribosomal protein L35a; plus strand). Cytogenetic location: 3q29.
Variant type: Duplication.
Identifiers: ClinVar variation 3246901 (VCV003246901.1).

ClinVar aggregate classification (germline): Uncertain significance (1 of 4 stars; one submission).

Conditions:
Diamond-Blackfan anemia 5 (DBA5). Also called: RPL35A-Related Diamond-Blackfan Anemia. Identifiers: Orphanet 124, MedGen C2675859, MONDO:0012925, OMIM 612528.

Submission:

Labcorp Genetics (formerly Invitae), Labcorp
Classification: Uncertain significance for Diamond-Blackfan anemia 5. Last evaluated: 2023-12-01. Review status: criteria provided, single submitter. Criteria: Invitae Variant Classification Sherloc (09022015). Collection method: clinical testing. Allele origin: unknown.
Comment: This variant results in a copy number gain of the genomic region encompassing exon(s) 2-3 of the RPL35A gene. This region includes the initiator codon of the gene. This copy number gain extends beyond the assayed region for this gene and therefore may encompass additional genes. As the precise location of this event is unknown, it may be in tandem or it may be located elsewhere in the genome. This variant has not been reported in the literature in individuals affected with RPL35A-related conditions. In summary, the available evidence is currently insufficient to determine the role of this variant in disease. Therefore, it has been classified as a Variant of Uncertain Significance.